The following is an entry in ClinVar:

NM_001003841.3(SLC6A19):c.554C>A (p.Thr185Lys)

Gene: SLC6A19 (solute carrier family 6 member 19; plus strand). Cytogenetic location: 5p15.33.
Variant type: single nucleotide variant.
Coding change: c.554C>A on transcript NM_001003841.3 (MANE Select); coding-DNA position 554, C replaced by A.
Protein change: p.Thr185Lys; replaces threonine 185 with lysine.
Molecular consequence: missense variant.
Genome position (GRCh38, 1-based): chr5:1,212,375, C>A. VCF-style: chr5-1212375-C-A. GRCh37 (hg19) VCF-style: chr5-1212490-C-A.
Other names: short protein forms T185K.
Identifiers: ClinVar variation 4852780 (VCV004852780.1).

ClinVar aggregate classification (germline): Uncertain significance (1 of 4 stars; one submission).

Conditions:
Neutral 1 amino acid transport defect (HND). Also called: HARTNUP DISORDER; Hartnup disease. Identifiers: Orphanet 2116, MedGen C0018609, MONDO:0009324, OMIM 234500.

Submission:

Diagnostics Services (NGS), CSIR - Centre For Cellular And Molecular Biology
Classification: Uncertain significance for Neutral 1 amino acid transport defect. Last evaluated: 2026-05-22. Review status: criteria provided, single submitter. Criteria: ACMG Guidelines, 2015. Collection method: clinical testing. Allele origin: germline. Observed: 1 variant allele, 1 heterozygote.
Comment: The c.554C>A variant is not present in publicly available population databases like 1000 Genome, EVS, gnomAD, Indian Exome Database or in our internal database. This variant has neither been published in the literature for SLC6A19-related conditions nor reported to clinical databases like Human Genome Mutation database (HGMD), OMIM, or ClinVar in any affected individuals. In-silico pathogenicity prediction programs like Polyphen-2, MutationTaster2021, CADD, etc. predicted this variant to be likely deleterious, however these predictions were not confirmed by published functional studies.